The following is an entry in ClinVar:

NM_182961.4(SYNE1):c.7312G>T (p.Asp2438Tyr)

Gene: SYNE1 (spectrin repeat containing nuclear envelope protein 1; minus strand). Cytogenetic location: 6q25.2.
Variant type: single nucleotide variant.
Coding change: c.7312G>T on transcript NM_182961.4 (MANE Select); coding-DNA position 7312, G replaced by T.
Protein change: p.Asp2438Tyr; replaces aspartic acid 2438 with tyrosine.
Molecular consequence: missense variant.
Genome position (GRCh38, 1-based): chr6:152,398,657, C>A on the plus strand (G>T on the coding strand, the complement: SYNE1 is on the minus strand). VCF-style: chr6-152398657-C-A. GRCh37 (hg19) VCF-style: chr6-152719792-C-A.
Other names: c.7333G>T, p.Asp2445Tyr (NM_033071.5); short protein forms D2438Y, D2445Y.
Identifiers: ClinVar variation 2172214 (VCV002172214.1), dbSNP rs199792324, ClinGen allele CA4057850.

ClinVar aggregate classification (germline): Uncertain significance (1 of 4 stars; one submission).

Conditions:
Emery-Dreifuss muscular dystrophy 4, autosomal dominant (EDMD4). Also called: EMERY-DREIFUSS MUSCULAR DYSTROPHY 4 WITH VARIABLE FEATURES. Identifiers: Orphanet 261, MedGen C2751807, MONDO:0013071, OMIM 612998.
Autosomal recessive ataxia, Beauce type. Also called: Spinocerebellar ataxia, autosomal recessive 8; ATAXIA, RECESSIVE, OF BEAUCE; SYNE1-Related Autosomal Recessive Cerebellar Ataxia; SYNE1 Deficiency. Identifiers: Orphanet 88644, MedGen C1853116, MONDO:0012549, OMIM 610743.

Allele frequency attached by ClinVar (database versions not stated): gnomAD exomes below 0.00001; gnomAD 0.00001; ExAC 0.00002; 1000 Genomes Project 30x 0.00016; 1000 Genomes Project 0.00020.
gnomAD v4.1: 5 of 1,614,054 alleles (0.00031%); highest among the groups gnomAD compares: Middle Eastern, 0.017%; no homozygotes.

Submission:

Labcorp Genetics (formerly Invitae), Labcorp
Classification: Uncertain significance for Emery-Dreifuss muscular dystrophy 4, autosomal dominant; Autosomal recessive ataxia, Beauce type. Last evaluated: 2022-08-31. Review status: criteria provided, single submitter. Criteria: Invitae Variant Classification Sherloc (09022015). Collection method: clinical testing. Allele origin: germline.
Comment: This sequence change replaces aspartic acid, which is acidic and polar, with tyrosine, which is neutral and polar, at codon 2445 of the SYNE1 protein (p.Asp2445Tyr). This variant is present in population databases (rs199792324, gnomAD 0.002%). This variant has not been reported in the literature in individuals affected with SYNE1-related conditions. Algorithms developed to predict the effect of missense changes on protein structure and function (SIFT, PolyPhen-2, Align-GVGD) all suggest that this variant is likely to be disruptive. In summary, the available evidence is currently insufficient to determine the role of this variant in disease. Therefore, it has been classified as a Variant of Uncertain Significance.